The following is an entry in ClinVar:

ClinVar aggregate classification (germline): Pathogenic/Likely pathogenic. Review status: criteria provided, multiple submitters, no conflicts (2 of 4 stars). 2 submissions from 2 submitters: Pathogenic (1); Likely pathogenic (1). Last evaluated 2024-12-23.

Conditions:
Short stature-optic atrophy-Pelger-Huët anomaly syndrome. Also called: Short stature-optic atrophy-Pelger-HuC+t anomaly syndrome; Short stature, optic nerve atrophy, and Pelger-Huet anomaly. Identifiers: Orphanet 391677, MedGen C3541319, MONDO:0013889, OMIM 614800.
Infantile liver failure syndrome 2 (ILFS2). Identifiers: MedGen C3809651, MONDO:0014659, OMIM 616483.

Allele frequency attached by ClinVar (database versions not stated): gnomAD exomes below 0.00001 and 0.00001; gnomAD 0.00001; ExAC 0.00002.
gnomAD v4.1: 8 of 1,613,686 alleles (0.0005%); highest among the groups gnomAD compares: East Asian, 0.0022%; no homozygotes.

Submissions (2):

Labcorp Genetics (formerly Invitae), Labcorp
Classification: Pathogenic. Last evaluated: 2024-12-23. Review status: criteria provided, single submitter. Criteria: Invitae Variant Classification Sherloc (09022015). Collection method: clinical testing. Allele origin: germline.
Comment: This sequence change creates a premature translational stop signal (p.Arg1446*) in the NBAS gene. It is expected to result in an absent or disrupted protein product. Loss-of-function variants in NBAS are known to be pathogenic (PMID: 26073778, 26541327, 27789416, 28031453). This variant is present in population databases (rs758863985, gnomAD 0.006%). This variant has not been reported in the literature in individuals affected with NBAS-related conditions. ClinVar contains an entry for this variant (Variation ID: 1456602). For these reasons, this variant has been classified as Pathogenic.

Fulgent Genetics
Classification: Likely pathogenic for Short stature-optic atrophy-Pelger-Huët anomaly syndrome; Infantile liver failure syndrome 2. Last evaluated: 2024-06-16. Review status: criteria provided, single submitter. Criteria: ACMG Guidelines, 2015. Collection method: clinical testing. Allele origin: germline.

Literature cited by the submitters: PubMed 26073778 (cited by Labcorp Genetics (formerly Invitae), Labcorp); PubMed 26541327 (cited by Labcorp Genetics (formerly Invitae), Labcorp); PubMed 27789416 (cited by Labcorp Genetics (formerly Invitae), Labcorp); PubMed 28031453 (cited by Labcorp Genetics (formerly Invitae), Labcorp).

NM_015909.4(NBAS):c.4336C>T (p.Arg1446Ter)

Gene: NBAS (NBAS subunit of NRZ tethering complex; minus strand). Cytogenetic location: 2p24.3.
Variant type: single nucleotide variant.
Coding change: c.4336C>T on transcript NM_015909.4 (MANE Select); coding-DNA position 4336, C replaced by T.
Protein change: p.Arg1446Ter; replaces arginine 1446 with a stop codon.
Molecular consequence: nonsense. On other transcripts: non-coding transcript variant (1).
Genome position (GRCh38, 1-based): chr2:15,330,609, G>A on the plus strand (C>T on the coding strand, the complement: NBAS is on the minus strand). VCF-style: chr2-15330609-G-A. GRCh37 (hg19) VCF-style: chr2-15470733-G-A.
Other names: short protein forms R1446*.
Identifiers: ClinVar variation 1456602 (VCV001456602.7), dbSNP rs758863985, ClinGen allele CA1535705.